The following is an entry in ClinVar:

ClinVar aggregate classification (germline): Pathogenic (1 of 4 stars; one submission).

Conditions:
Tubulinopathy. Also called: Tubulinopathies. Identifiers: MedGen CN850169, MONDO:0100153.

Submission:

Institute of Human Genetics, FAU Erlangen, Friedrich-Alexander-Universität Erlangen-Nürnberg
Classification: Pathogenic for Tubulinopathies. Last evaluated: 2018-07-01. Review status: criteria provided, single submitter. Criteria: ACMG Guidelines, 2015. Collection method: literature only. Allele origin: de novo. Affected: yes. Observed: 2 variant alleles.
Comment: The c.1160C>T, p.(Ala387Val) variant has been reported as a variant of de novo origin. This variant and associated phenotype was previously reported by Romaniello et al. Dev Med Child Neurol, 2014 PMID: 24392928. HPO-standardized clinical features were: Hypoplasia of the corpus callosum (HP:0002079); Pachygyria (HP:0001302); Cerebellar vermis hypoplasia (HP:0001320); Brainstem dysplasia (HP:0002508); Dysgenesis of the hippocampus (HP:0025101); Gray matter heterotopia (HP:0002281); Congenital microcephaly (HP:0011451); Other neurological symptoms (NA); Infantile spasms (HP:0012469)

Literature cited by the submitters: PubMed 30744660; DOI 10.1101/427948.

NM_006009.4(TUBA1A):c.1160C>T (p.Ala387Val)

Gene: TUBA1A (tubulin alpha 1a; minus strand). Cytogenetic location: 12q13.12.
Variant type: single nucleotide variant.
Coding change: c.1160C>T on transcript NM_006009.4 (MANE Select); coding-DNA position 1160, C replaced by T.
Protein change: p.Ala387Val; replaces alanine 387 with valine.
Molecular consequence: missense variant.
Genome position (GRCh38, 1-based): chr12:49,185,206, G>A on the plus strand (C>T on the coding strand, the complement: TUBA1A is on the minus strand). VCF-style: chr12-49185206-G-A. GRCh37 (hg19) VCF-style: chr12-49578989-G-A.
Other names: c.1160C>T, p.Ala387Val (NM_001270399.2); c.1055C>T, p.Ala352Val (NM_001270400.2); short protein forms A387V, A352V.
Identifiers: ClinVar variation 625502 (VCV000625502.2), dbSNP rs1565626959, ClinGen allele CA384635218.
Genomic context (GRCh38, chr12:49,185,206, plus strand): 5'-CAGTGAACAAAGGCACGTTTGGCATACATCAGGTCAAACTTGTGGTCCAGGCGAGCCCAG[G>A]CCTCAGCAATGGCTGTGGTGTTGCTCAGCATGCACACAGCTCTCTGTACCTTGGCCAGGT-3'
Protein context (NP_006000.2, residues 377-397): MLSNTTAIAE[Ala387Val]WARLDHKFDL